The following is an entry in ClinVar:

NM_001165963.4(SCN1A):c.2839G>C (p.Val947Leu)

Gene: SCN1A (sodium voltage-gated channel alpha subunit 1; minus strand). Cytogenetic location: 2q24.3.
Variant type: single nucleotide variant.
Coding change: c.2839G>C on transcript NM_001165963.4 (MANE Select); coding-DNA position 2839, G replaced by C.
Protein change: p.Val947Leu; replaces valine 947 with leucine.
Molecular consequence: missense variant. On other transcripts: non-coding transcript variant (1).
Genome position (GRCh38, 1-based): chr2:166,037,883, C>G on the plus strand (G>C on the coding strand, the complement: SCN1A is on the minus strand). VCF-style: chr2-166037883-C-G. GRCh37 (hg19) VCF-style: chr2-166894393-C-G.
Other names: c.2755G>C, p.Val919Leu (NM_001165964.3, NM_001353957.2, NM_001353958.2); c.2839G>C, p.Val947Leu (NM_001202435.3, NM_001353948.2); c.2806G>C, p.Val936Leu (NM_001353949.2, NM_001353950.2, NM_001353951.2 and 2 more transcripts); c.2803G>C, p.Val935Leu (NM_001353954.2, NM_001353955.2); c.2752G>C, p.Val918Leu (NM_001353960.2); c.397G>C, p.Val133Leu (NM_001353961.2); short protein forms V133L, V918L, V919L, V935L, V936L, V947L.
Identifiers: ClinVar variation 1339098 (VCV001339098.2), dbSNP rs796052986, ClinGen allele CA349061233.
Genomic context (GRCh38, chr2:166,037,883, plus strand): 5'-TGGCTTGACCAGCAACCTCCATACAGTCCCACATGGTCTCTATCCACTCCCCACACAGCA[C>G]GCGGAACACAATCAGGAAGGAGTGGAAGAAGTCATTCATGTGCCAGCGTGGGAGTTGACA-3'
Protein context (NP_001159435.1, residues 937-957): FFHSFLIVFR[Val947Leu]LCGEWIETMW

ClinVar aggregate classification (germline): Uncertain significance (1 of 4 stars; one submission).

Conditions:
Generalized epilepsy with febrile seizures plus, type 2 (GEFSP2). Also called: GEFS+, TYPE 2. Identifiers: Orphanet 36387, MedGen C1858673, MONDO:0011461, OMIM 604403.

Submission:

Neuberg Centre For Genomic Medicine, NCGM
Classification: Uncertain significance for Generalized epilepsy with febrile seizures plus, type 2. Review status: criteria provided, single submitter. Criteria: ACMG Guidelines, 2015. Collection method: clinical testing. Allele origin: germline. Affected: yes.
Comment: The missense variant p.V947L in SCN1A (NM_001165963.4) has not been reported previously as a pathogenic variant nor as a benign variant, to our knowledge. The p.V947L variant is novel (not in any individuals) in gnomAD Exomes and is novel (not in any individuals) in 1000 Genomes. The p.V947L missense variant is predicted to be damaging by both SIFT and PolyPhen2. The valine residue at codon 947 of SCN1A is conserved in all mammalian species. The nucleotide c.2839 in SCN1A is predicted conserved by GERP++ and PhyloP across 100 vertebrates. For these reasons, this variant has been classified as Uncertain Significance.